The following is an entry in ClinVar:

ClinVar aggregate classification (germline): Uncertain significance (1 of 4 stars; one submission).

Submission:

Labcorp Genetics (formerly Invitae), Labcorp
Classification: Uncertain significance. Last evaluated: 2025-12-01. Review status: criteria provided, single submitter. Criteria: Invitae Variant Classification Sherloc (09022015). Collection method: clinical testing. Allele origin: germline.
Comment: This sequence change replaces arginine, which is basic and polar, with glutamine, which is neutral and polar, at codon 43 of the LAMTOR2 protein (p.Arg43Gln). This variant is not present in population databases (gnomAD no frequency). This variant has not been reported in the literature in individuals affected with LAMTOR2-related conditions. ClinVar contains an entry for this variant (Variation ID: 3611194). An algorithm developed to predict the effect of missense changes on protein structure and function (PolyPhen-2) suggests that this variant is likely to be disruptive. In summary, the available evidence is currently insufficient to determine the role of this variant in disease. Therefore, it has been classified as a Variant of Uncertain Significance.

NM_014017.4(LAMTOR2):c.128G>A (p.Arg43Gln)

Gene: LAMTOR2 (late endosomal/lysosomal adaptor, MAPK and MTOR activator 2; plus strand). Cytogenetic location: 1q22.
Variant type: single nucleotide variant.
Coding change: c.128G>A on transcript NM_014017.4 (MANE Select); coding-DNA position 128, G replaced by A.
Protein change: p.Arg43Gln; replaces arginine 43 with glutamine.
Molecular consequence: missense variant.
Genome position (GRCh38, 1-based): chr1:156,055,322, G>A. VCF-style: chr1-156055322-G-A. GRCh37 (hg19) VCF-style: chr1-156025113-G-A.
Other names: c.128G>A, p.Arg43Gln (NM_001145264.2); short protein forms R43Q.
Identifiers: ClinVar variation 3611194 (VCV003611194.2).